The following is an entry in ClinVar:

ClinVar aggregate classification (germline): Uncertain significance (1 of 4 stars; one submission).

Conditions:
Hereditary cancer-predisposing syndrome. Also called: Tumor predisposition; Hereditary Cancer Syndrome; Neoplastic Syndromes, Hereditary; Hereditary neoplastic syndrome. Identifiers: Orphanet 140162, MedGen C0027672, MeSH D009386, MONDO:0015356.

Submission:

Molecular Diagnostics Laboratory, Catalan Institute of Oncology
Classification: Uncertain significance for Hereditary cancer-predisposing syndrome. Last evaluated: 2024-10-22. Review status: criteria provided, single submitter. Criteria: ACMG Guidelines, 2015. Collection method: clinical testing. Allele origin: germline.
Comment: PM2_Supporting, PP3_Supporting BRIP1 c.919-4C>A is an intronic variant located close to a canonical splice site. It is not present in the population database gnomAD v2.1.1, non cancer dataset (PM2_supporting). The SpliceAI algorithm predicts loss of the splicing acceptor site (deltascore 0.21). To our knowledge, neither relevant clinical data nor well-stablished functional studies have been reported for this variant. Also, the variant has not been reported neither in ClinVar nor in LOVD databases. Based on currently available information, the variant c.919-4C>A should be considered an uncertain significance variant.

NM_032043.3(BRIP1):c.919-4C>A

Gene: BRIP1 (BRCA1 interacting DNA helicase 1; minus strand). Cytogenetic location: 17q23.2.
Variant type: single nucleotide variant.
Coding change: c.919-4C>A on transcript NM_032043.3 (MANE Select); 4 bases into the intron before coding-DNA position 919, C replaced by A.
Molecular consequence: intron variant.
Genome position (GRCh38, 1-based): chr17:61,801,478, G>T on the plus strand (C>A on the coding strand, the complement: BRIP1 is on the minus strand). VCF-style: chr17-61801478-G-T. GRCh37 (hg19) VCF-style: chr17-59878839-G-T.
Identifiers: ClinVar variation 3774474 (VCV003774474.1).